The following is an entry in ClinVar:

NM_001369369.1(FOXN1):c.1565A>G (p.Asp522Gly)

Gene: FOXN1 (forkhead box N1; plus strand). Cytogenetic location: 17q11.2.
Variant type: single nucleotide variant.
Coding change: c.1565A>G on transcript NM_001369369.1 (MANE Select); coding-DNA position 1565, A replaced by G.
Protein change: p.Asp522Gly; replaces aspartic acid 522 with glycine.
Molecular consequence: missense variant.
Genome position (GRCh38, 1-based): chr17:28,535,136, A>G. VCF-style: chr17-28535136-A-G. GRCh37 (hg19) VCF-style: chr17-26862154-A-G.
Other names: c.1565A>G, p.Asp522Gly (NM_003593.3); short protein forms D522G.
Identifiers: ClinVar variation 1511226 (VCV001511226.5), dbSNP rs1259755433, ClinGen allele CA398326716.

ClinVar aggregate classification (germline): Uncertain significance (1 of 4 stars; one submission).

Conditions:
T-cell immunodeficiency, congenital alopecia, and nail dystrophy. Also called: Congenital alopecia and nail dystrophy associated with severe functional T-cell immunodeficiency; Pignata Guarino syndrome. Identifiers: Orphanet 169095, MedGen C1866426, MONDO:0011132, OMIM 601705.

Allele frequency attached by ClinVar (database versions not stated): gnomAD exomes below 0.00001; TOPMed below 0.00001.
gnomAD v4.1: 3 of 1,611,236 alleles (0.00019%); highest among the groups gnomAD compares: Non-Finnish European, 0.00025%; no homozygotes.

Submission:

Labcorp Genetics (formerly Invitae), Labcorp
Classification: Uncertain significance for T-cell immunodeficiency, congenital alopecia, and nail dystrophy. Last evaluated: 2022-08-15. Review status: criteria provided, single submitter. Criteria: Invitae Variant Classification Sherloc (09022015). Collection method: clinical testing. Allele origin: germline.
Comment: This sequence change replaces aspartic acid, which is acidic and polar, with glycine, which is neutral and non-polar, at codon 522 of the FOXN1 protein (p.Asp522Gly). This variant is present in population databases (no rsID available, gnomAD 0.0009%). This variant has not been reported in the literature in individuals affected with FOXN1-related conditions. ClinVar contains an entry for this variant (Variation ID: 1511226). Algorithms developed to predict the effect of missense changes on protein structure and function are either unavailable or do not agree on the potential impact of this missense change (SIFT: "Tolerated"; PolyPhen-2: "Possibly Damaging"; Align-GVGD: "Class C0"). Algorithms developed to predict the effect of sequence changes on RNA splicing suggest that this variant may create or strengthen a splice site. In summary, the available evidence is currently insufficient to determine the role of this variant in disease. Therefore, it has been classified as a Variant of Uncertain Significance.